The following is an entry in ClinVar:

NM_017950.4(CCDC40):c.3130T>A (p.Phe1044Ile)

Gene: CCDC40 (coiled-coil domain 40 molecular ruler complex subunit; plus strand). Cytogenetic location: 17q25.3.
Variant type: single nucleotide variant.
Coding change: c.3130T>A on transcript NM_017950.4 (MANE Select); coding-DNA position 3130, T replaced by A.
Protein change: p.Phe1044Ile; replaces phenylalanine 1044 with isoleucine.
Molecular consequence: missense variant.
Genome position (GRCh38, 1-based): chr17:80,097,353, T>A. VCF-style: chr17-80097353-T-A. GRCh37 (hg19) VCF-style: chr17-78071152-T-A.
Other names: c.3130T>A (NM_017950.3); short protein forms F1044I.
Identifiers: ClinVar variation 998823 (VCV000998823.8), dbSNP rs377222257, ClinGen allele CA8814626.

ClinVar aggregate classification (germline): Conflicting classifications of pathogenicity. Review status: criteria provided, conflicting classifications (1 of 4 stars). 3 submissions from 3 submitters: Uncertain significance (2); Benign (1). Last evaluated 2025-10-10.

Conditions:
Primary ciliary dyskinesia. Also called: Ciliary dyskinesia. Identifiers: Orphanet 244, MedGen C0008780, MONDO:0016575, HP:0012265.

Allele frequency attached by ClinVar (database versions not stated): gnomAD exomes 0.00004 and 0.00008; ExAC 0.00005; ESP Exome Variant Server 0.00024; gnomAD 0.00033 and 0.00038; TOPMed 0.00034.
gnomAD v4.1: 114 of 1,613,964 alleles (0.0071%); highest among the groups gnomAD compares: African/African-American, 0.12%; no homozygotes.

Submissions (3):

Ambry Genetics
Classification: Benign for Primary ciliary dyskinesia. Last evaluated: 2025-10-10. Review status: criteria provided, single submitter. Criteria: Ambry Variant Classification Scheme 2023. Collection method: clinical testing. Allele origin: germline.

Labcorp Genetics (formerly Invitae), Labcorp
Classification: Uncertain significance for Primary ciliary dyskinesia. Last evaluated: 2022-06-18. Review status: criteria provided, single submitter. Criteria: Invitae Variant Classification Sherloc (09022015). Collection method: clinical testing. Allele origin: germline.
Comment: This sequence change replaces phenylalanine, which is neutral and non-polar, with isoleucine, which is neutral and non-polar, at codon 1044 of the CCDC40 protein (p.Phe1044Ile). This variant is present in population databases (rs377222257, gnomAD 0.1%). This variant has not been reported in the literature in individuals affected with CCDC40-related conditions. ClinVar contains an entry for this variant (Variation ID: 998823). Algorithms developed to predict the effect of missense changes on protein structure and function output the following: SIFT: "Tolerated"; PolyPhen-2: "Benign"; Align-GVGD: "Class C0". The isoleucine amino acid residue is found in multiple mammalian species, which suggests that this missense change does not adversely affect protein function. In summary, the available evidence is currently insufficient to determine the role of this variant in disease. Therefore, it has been classified as a Variant of Uncertain Significance.

Breakthrough Genomics
Classification: Uncertain significance. Review status: criteria provided, single submitter. Criteria: ACMG Guidelines, 2015. Collection method: not provided. Allele origin: germline. Inheritance: Autosomal recessive inheritance. Affected: yes.